The following is an entry in ClinVar:

ClinVar aggregate classification (germline): Uncertain significance (1 of 4 stars; one submission).

gnomAD v4.1: 2 of 1,204,452 alleles (0.00017%); highest among the groups gnomAD compares: African/African-American, 0.0035%; no homozygotes.

Submission:

Labcorp Genetics (formerly Invitae), Labcorp
Classification: Uncertain significance. Last evaluated: 2025-10-15. Review status: criteria provided, single submitter. Criteria: Invitae Variant Classification Sherloc (09022015). Collection method: clinical testing. Allele origin: germline.
Comment: This sequence change replaces threonine, which is neutral and polar, with isoleucine, which is neutral and non-polar, at codon 790 of the OPHN1 protein (p.Thr790Ile). The frequency data for this variant in the population databases is considered unreliable, as metrics indicate poor data quality at this position in the gnomAD database. This variant has not been reported in the literature in individuals affected with OPHN1-related conditions. An algorithm developed to predict the effect of missense changes on protein structure and function outputs the following: PolyPhen-2: "Benign". The isoleucine amino acid residue is found in multiple mammalian species, which suggests that this missense change does not adversely affect protein function. In summary, the available evidence is currently insufficient to determine the role of this variant in disease. Therefore, it has been classified as a Variant of Uncertain Significance.

NM_002547.3(OPHN1):c.2369C>T (p.Thr790Ile)

Gene: OPHN1 (oligophrenin 1; minus strand). Cytogenetic location: Xq12.
Variant type: single nucleotide variant.
Coding change: c.2369C>T on transcript NM_002547.3 (MANE Select); coding-DNA position 2369, C replaced by T.
Protein change: p.Thr790Ile; replaces threonine 790 with isoleucine.
Molecular consequence: missense variant.
Genome position (GRCh38, 1-based): chrX:68,052,546, G>A on the plus strand (C>T on the coding strand, the complement: OPHN1 is on the minus strand). VCF-style: chrX-68052546-G-A. GRCh37 (hg19) VCF-style: chrX-67272388-G-A.
Other names: c.2045C>T, p.Thr682Ile (NM_001437258.1); short protein forms T682I, T790I.
Identifiers: ClinVar variation 4776059 (VCV004776059.1).
Genomic context (GRCh38, chrX:68,052,546, plus strand): 5'-GATGCAGTTATTAAAAGGCGATTTGGTTTTTCTTTTGTCACCTCCATATCTTACCTTCCT[G>A]TTTTCCGGGAAGCTGTTTCAAAAAACCTGGTCCTGGAAGCCACCCTGCAAACAGAAGCCA-3'
Protein context (NP_002538.1, residues 780-800): TRFFETASRK[Thr790Ile]GSSQGRLPGD